The following is an entry in ClinVar:

Conditions:
Long QT syndrome 5 (LQT5). Identifiers: Orphanet 101016, Orphanet 768, MedGen C1867904, MONDO:0013372, OMIM 613695.

Submission:

Roden Lab, Vanderbilt University Medical Center
No classification provided (evidence only). Condition: Long QT syndrome 5. Review status: no classification provided. Collection method: in vitro. Allele origin: not applicable. Functional consequence: Effect on ion channel function.
ClinVar note: "not provided" was previously submitted as the classification for the variant. However, the classification appeared to be based only on an observation of functional data so it was converted to no classification on 2025-07-30.

NM_000219.6(KCNE1):c.4A>C (p.Ile2Leu)

Gene: KCNE1 (potassium voltage-gated channel subfamily E regulatory subunit 1; minus strand). Cytogenetic location: 21q22.12.
Variant type: single nucleotide variant.
Coding change: c.4A>C on transcript NM_000219.6 (MANE Select); coding-DNA position 4, A replaced by C.
Protein change: p.Ile2Leu; replaces isoleucine 2 with leucine.
Molecular consequence: missense variant.
Genome position (GRCh38, 1-based): chr21:34,449,631, T>G on the plus strand (A>C on the coding strand, the complement: KCNE1 is on the minus strand). VCF-style: chr21-34449631-T-G. GRCh37 (hg19) VCF-style: chr21-35821929-T-G.
Other names: c.4A>C, p.Ile2Leu (NM_001127668.4, NM_001127669.4, NM_001127670.4 and 4 more transcripts); short protein forms I2L.
Identifiers: ClinVar variation 3373771 (VCV003373771.2).
Genomic context (GRCh38, chr21:34,449,631, plus strand): 5'-GAACTGTCTCCTGCCACAGCTTGGTCAGAAAGGGCGTCACCGCTGTGGTGTTAGACAGGA[T>G]CATCCTGGGCATTAAGGTTCCACTGCTGCAGCTCAAACTTCCCAGGCACACCTCTTAAAG-3'
Protein context (NP_000210.2, residues 1-12): M[Ile2Leu]LSNTTAVTPF